The following is an entry in ClinVar:

NM_004174.4(SLC9A3):c.1847C>T (p.Thr616Met)

Genes: SLC9A3 (solute carrier family 9 member A3), SLC9A3-AS1 (SLC9A3 antisense RNA 1; plus strand). Cytogenetic location: 5p15.33.
Variant type: single nucleotide variant.
Coding change: c.1847C>T on transcript NM_004174.4 (MANE Select); coding-DNA position 1847, C replaced by T.
Protein change: p.Thr616Met; replaces threonine 616 with methionine.
Molecular consequence: missense variant.
Genome position (GRCh38, 1-based): chr5:476,586, G>A on the plus strand (C>T on the coding strand, the complement: SLC9A3 is on the minus strand). VCF-style: chr5-476586-G-A. GRCh37 (hg19) VCF-style: chr5-476701-G-A.
Other names: c.1820C>T, p.Thr607Met (NM_001284351.3); c.1847C>T (NM_004174.2); short protein forms T607M, T616M.
Identifiers: ClinVar variation 2194808 (VCV002194808.4), dbSNP rs755360958, ClinGen allele CA3175689.

ClinVar aggregate classification (germline): Uncertain significance. Review status: criteria provided, multiple submitters, no conflicts (2 of 4 stars). 2 submissions from 2 submitters: Uncertain significance (2). Last evaluated 2024-02-17.

Conditions:
Inborn genetic diseases. Identifiers: MedGen C0950123, MeSH D030342.

Allele frequency attached by ClinVar (database versions not stated): TOPMed 0.00003; gnomAD 0.00005.
gnomAD v4.1: 29 of 1,611,344 alleles (0.0018%); highest among the groups gnomAD compares: African/African-American, 0.008%; no homozygotes.

Submissions (2):

Labcorp Genetics (formerly Invitae), Labcorp
Classification: Uncertain significance. Last evaluated: 2024-02-17. Review status: criteria provided, single submitter. Criteria: Invitae Variant Classification Sherloc (09022015). Collection method: clinical testing. Allele origin: germline.
Comment: This sequence change replaces threonine, which is neutral and polar, with methionine, which is neutral and non-polar, at codon 616 of the SLC9A3 protein (p.Thr616Met). This variant is present in population databases (rs755360958, gnomAD 0.004%). This variant has not been reported in the literature in individuals affected with SLC9A3-related conditions. ClinVar contains an entry for this variant (Variation ID: 2194808). Advanced modeling of protein sequence and biophysical properties (such as structural, functional, and spatial information, amino acid conservation, physicochemical variation, residue mobility, and thermodynamic stability) performed at Invitae indicates that this missense variant is not expected to disrupt SLC9A3 protein function with a negative predictive value of 80%. In summary, the available evidence is currently insufficient to determine the role of this variant in disease. Therefore, it has been classified as a Variant of Uncertain Significance.

Ambry Genetics
Classification: Uncertain significance for Inborn genetic diseases. Last evaluated: 2023-09-29. Review status: criteria provided, single submitter. Criteria: Ambry Variant Classification Scheme 2023. Collection method: clinical testing. Allele origin: germline.